The following is an entry in ClinVar:

ClinVar aggregate classification (germline): Pathogenic/Likely pathogenic. Review status: criteria provided, multiple submitters, no conflicts (2 of 4 stars). 4 submissions from 4 submitters: Pathogenic (2); Likely pathogenic (2). Last evaluated 2024-08-26.

Conditions:
Autosomal recessive nonsyndromic hearing loss 1A (DFNB1A). Also called: GJB2-Related Autosomal Recessive Nonsyndromic Hearing Loss; Connexin 26 deafness; Deafness nonsyndromic, Connexin 26 linked; Nonsyndromic Hearing Loss and Deafness, DFNB1; GJB6-Related DFNB 1 Nonsyndromic Hearing Loss and Deafness; Deafness, autosomal recessive 1A. Identifiers: Orphanet 90636, MedGen C2673759, MONDO:0009076, OMIM 220290.

gnomAD v4.1: 1 of 1,614,108 alleles (0.000062%); highest among the groups gnomAD compares: African/African-American, 0.0013%; no homozygotes.

Submissions (4):

Natera, Inc.
Classification: Likely pathogenic for Autosomal recessive deafness type 1A. Last evaluated: 2024-08-26. Review status: criteria provided, single submitter. Criteria: Natera Variant Classification Schema (03/2026). Collection method: clinical testing. Allele origin: germline.
Comment: The c.456C>G variant in GJB2 is a nonsense variant predicted to introduce a stop codon at amino acid 152. This variant is expected to result in nonsense mediated decay, truncation, or a dysfunctional protein product. This variant is rare in the general population with a frequency below the threshold expected for the associated phenotype(s). Given the available evidence, this variant is classified as Likely Pathogenic.

Labcorp Genetics (formerly Invitae), Labcorp
Classification: Pathogenic. Last evaluated: 2024-01-04. Review status: criteria provided, single submitter. Criteria: Invitae Variant Classification Sherloc (09022015). Collection method: clinical testing. Allele origin: germline.
Comment: This sequence change creates a premature translational stop signal (p.Tyr152*) in the GJB2 gene. While this is not anticipated to result in nonsense mediated decay, it is expected to disrupt the last 75 amino acid(s) of the GJB2 protein. This variant is not present in population databases (gnomAD no frequency). This variant has not been reported in the literature in individuals affected with GJB2-related conditions. ClinVar contains an entry for this variant (Variation ID: 2137454). This variant disrupts a region of the GJB2 protein in which other variant(s) (p.Cys211Leufs*5) have been determined to be pathogenic (PMID: 9529365, 12910486, 20863150). This suggests that this is a clinically significant region of the protein, and that variants that disrupt it are likely to be disease-causing. For these reasons, this variant has been classified as Pathogenic.

Revvity Omics, Revvity
Classification: Likely pathogenic. Last evaluated: 2022-09-06. Review status: criteria provided, single submitter. Criteria: ACMG Guidelines, 2015. Collection method: clinical testing. Allele origin: germline.

Juno Genomics, Hangzhou Juno Genomics, Inc
Classification: Pathogenic for Autosomal recessive nonsyndromic hearing loss 1A. Review status: criteria provided, single submitter. Criteria: ACMG Guidelines, 2015. Collection method: clinical testing. Allele origin: germline. Affected: yes.
Comment: Absent from controls (or at extremely low frequency if recessive) in Genome Aggregation Database, Exome Sequencing Project, 1000 Genomes Project, or Exome Aggregation Consortium.;Null variant in a gene where loss of function (LOF) is a known mechanism of disease.;For recessive disorders, detected in trans with a pathogenic variant.

Literature cited by the submitters: PubMed 9529365 (cited by Labcorp Genetics (formerly Invitae), Labcorp); PubMed 12910486 (cited by Labcorp Genetics (formerly Invitae), Labcorp); PubMed 20863150 (cited by Labcorp Genetics (formerly Invitae), Labcorp).

NM_004004.6(GJB2):c.456C>G (p.Tyr152Ter)

Gene: GJB2 (gap junction protein beta 2; minus strand). Cytogenetic location: 13q12.11.
Variant type: single nucleotide variant.
Coding change: c.456C>G on transcript NM_004004.6 (MANE Select); coding-DNA position 456, C replaced by G.
Protein change: p.Tyr152Ter; replaces tyrosine 152 with a stop codon.
Molecular consequence: nonsense.
Genome position (GRCh38, 1-based): chr13:20,189,126, G>C on the plus strand (C>G on the coding strand, the complement: GJB2 is on the minus strand). VCF-style: chr13-20189126-G-C. GRCh37 (hg19) VCF-style: chr13-20763265-G-C.
Other names: c.456C>G (NM_004004.5); short protein forms Y152*.
Identifiers: ClinVar variation 2137454 (VCV002137454.10), dbSNP rs111033420, ClinGen allele CA387461108.
Genomic context (GRCh38, chr13:20,189,126, plus strand): 5'-CCAGGCGTTGCACTTCACCAGCCGCTGCATGGAGAAGCCGTCGTACATGACATAGAAGAC[G>C]TACATGAAGGCGGCTTCGAAGATGACCCGGAAGAAGATGCTGCTTGTGTAGGTCCACCAC-3'